The following is an entry in ClinVar:

ClinVar aggregate classification (germline): Uncertain significance. Review status: criteria provided, multiple submitters, no conflicts (2 of 4 stars). 3 submissions from 3 submitters: Uncertain significance (3). Last evaluated 2024-03-06.

Conditions:
Hereditary cancer-predisposing syndrome. Also called: Hereditary neoplastic syndrome; Neoplastic Syndromes, Hereditary; Tumor predisposition; Hereditary Cancer Syndrome. Identifiers: Orphanet 140162, MedGen C0027672, MeSH D009386, MONDO:0015356.
BAP1-related tumor predisposition syndrome (TPDS1). Also called: TUMOR PREDISPOSITION SYNDROME 1; BAP1 tumor predisposition syndrome; COMMON Syndrome; Tumor susceptibility linked to germline BAP1 mutations. Identifiers: Orphanet 289539, MedGen C3280492, MONDO:0013692, OMIM 614327.

Submissions (3):

Color Diagnostics, LLC DBA Color Health
Classification: Uncertain significance for Hereditary cancer-predisposing syndrome. Last evaluated: 2024-03-06. Review status: criteria provided, single submitter. Criteria: ACMG Guidelines, 2015. Collection method: clinical testing. Allele origin: germline.
Comment: This missense variant replaces proline with serine at codon 391 of the BAP1 protein. Computational prediction suggests that this variant may not impact protein structure and function (internally defined REVEL score threshold <= 0.5, PMID: 27666373). To our knowledge, functional studies have not been reported for this variant. This variant has not been reported in individuals affected with hereditary cancer in the literature. This variant has not been identified in the general population by the Genome Aggregation Database (gnomAD). The available evidence is insufficient to determine the role of this variant in disease conclusively. Therefore, this variant is classified as a Variant of Uncertain Significance.

Ambry Genetics
Classification: Uncertain significance for Hereditary cancer-predisposing syndrome. Last evaluated: 2022-05-01. Review status: criteria provided, single submitter. Criteria: Ambry Variant Classification Scheme 2023. Collection method: clinical testing. Allele origin: germline.
Comment: The p.P391S variant (also known as c.1171C>T), located in coding exon 12 of the BAP1 gene, results from a C to T substitution at nucleotide position 1171. The proline at codon 391 is replaced by serine, an amino acid with similar properties. This amino acid position is conserved. In addition, this alteration is predicted to be tolerated by in silico analysis. Since supporting evidence is limited at this time, the clinical significance of this alteration remains unclear.

Labcorp Genetics (formerly Invitae), Labcorp
Classification: Uncertain significance for BAP1-related tumor predisposition syndrome. Last evaluated: 2019-04-29. Review status: criteria provided, single submitter. Criteria: Invitae Variant Classification Sherloc (09022015). Collection method: clinical testing. Allele origin: germline.
Comment: In summary, the available evidence is currently insufficient to determine the role of this variant in disease. Therefore, it has been classified as a Variant of Uncertain Significance. Algorithms developed to predict the effect of missense changes on protein structure and function (SIFT, PolyPhen-2, Align-GVGD) all suggest that this variant is likely to be tolerated, but these predictions have not been confirmed by published functional studies and their clinical significance is uncertain. This variant has not been reported in the literature in individuals with BAP1-related conditions. This variant is not present in population databases (ExAC no frequency). This sequence change replaces proline with serine at codon 391 of the BAP1 protein (p.Pro391Ser). The proline residue is moderately conserved and there is a moderate physicochemical difference between proline and serine.

NM_004656.4(BAP1):c.1171C>T (p.Pro391Ser)

Gene: BAP1 (BRCA1 associated deubiquitinase 1; minus strand). Cytogenetic location: 3p21.1.
Variant type: single nucleotide variant.
Coding change: c.1171C>T on transcript NM_004656.4 (MANE Select); coding-DNA position 1171, C replaced by T.
Protein change: p.Pro391Ser; replaces proline 391 with serine.
Molecular consequence: missense variant.
Genome position (GRCh38, 1-based): chr3:52,404,532, G>A on the plus strand (C>T on the coding strand, the complement: BAP1 is on the minus strand). VCF-style: chr3-52404532-G-A. GRCh37 (hg19) VCF-style: chr3-52438548-G-A.
Other names: short protein forms P391S.
Identifiers: ClinVar variation 949634 (VCV000949634.12), dbSNP rs1705085681, ClinGen allele CA353103234.
Genomic context (GRCh38, chr3:52,404,532, plus strand): 5'-TCTGCACGTCATCCTCCTCGTCATCCTCATAGTCATCCTCATCATCTGAGTACTGCTGGG[G>A]TGGGCGGACTGGAACTCGGCTGCGGCCCACACCTGCCGCCAGGTCTTCTTCCTCCTGGGA-3'
Protein context (NP_004647.1, residues 381-401): VGRSRVPVRP[Pro391Ser]QQYSDDEDDY